The following is an entry in ClinVar:

NM_000059.4(BRCA2):c.4454T>A (p.Ile1485Lys)

Gene: BRCA2 (BRCA2 DNA repair associated; plus strand). Cytogenetic location: 13q13.1.
Variant type: single nucleotide variant.
Coding change: c.4454T>A on transcript NM_000059.4 (MANE Select); coding-DNA position 4454, T replaced by A.
Protein change: p.Ile1485Lys; replaces isoleucine 1485 with lysine.
Molecular consequence: missense variant.
Genome position (GRCh38, 1-based): chr13:32,338,809, T>A. VCF-style: chr13-32338809-T-A. GRCh37 (hg19) VCF-style: chr13-32912946-T-A.
Other names: short protein forms I1485K.
Identifiers: ClinVar variation 1516922 (VCV001516922.7), dbSNP rs1555283790, ClinGen allele CA387781384.
Genomic context (GRCh38, chr13:32,338,809, plus strand): 5'-AATTACATTCTGACATAAGAAAGAACAAAATGGACATTCTAAGTTATGAGGAAACAGACA[T>A]AGTTAAACACAAAATACTGAAAGAAAGTGTCCCAGTTGGTACTGGAAATCAACTAGTGAC-3'
Protein context (NP_000050.3, residues 1475-1495): MDILSYEETD[Ile1485Lys]VKHKILKESV

ClinVar aggregate classification (germline): Conflicting classifications of pathogenicity. Review status: criteria provided, conflicting classifications (1 of 4 stars). 2 submissions from 2 submitters: Uncertain significance (1); Likely benign (1). Last evaluated 2023-03-23.

Conditions:
Hereditary breast ovarian cancer syndrome. Also called: Hereditary breast and/or ovarian cancer syndrome; Breast and ovarian cancer; Hereditary breast and ovarian cancer; BRCA1- and BRCA2-Associated Hereditary Breast and Ovarian Cancer; Hereditary breast and ovarian cancer syndrome; Hereditary breast and ovarian cancer syndrome (HBOC). Identifiers: Orphanet 145, MedGen C0677776, MeSH D061325, MONDO:0003582. Disease mechanism: loss of function.
Hereditary cancer-predisposing syndrome. Also called: Tumor predisposition; Neoplastic Syndromes, Hereditary; Hereditary neoplastic syndrome; Hereditary Cancer Syndrome. Identifiers: Orphanet 140162, MedGen C0027672, MeSH D009386, MONDO:0015356.

Submissions (2):

University of Washington Department of Laboratory Medicine, University of Washington
Classification: Likely benign for Hereditary cancer-predisposing syndrome. Last evaluated: 2023-03-23. Review status: criteria provided, single submitter. Criteria: Dines et al. (Genet Med. 2020). Collection method: curation. Allele origin: germline.
Comment: Missense variant in a coldspot region where missense variants are very unlikely to be pathogenic (PMID:31911673).

BRCA2 exon 11 coldspot. Reclassification based on statistical prior probability.

Labcorp Genetics (formerly Invitae), Labcorp
Classification: Uncertain significance for Hereditary breast ovarian cancer syndrome. Last evaluated: 2021-12-20. Review status: criteria provided, single submitter. Criteria: Invitae Variant Classification Sherloc (09022015). Collection method: clinical testing. Allele origin: germline.
Comment: This variant has not been reported in the literature in individuals affected with BRCA2-related conditions. In summary, the available evidence is currently insufficient to determine the role of this variant in disease. Therefore, it has been classified as a Variant of Uncertain Significance. Advanced modeling of protein sequence and biophysical properties (such as structural, functional, and spatial information, amino acid conservation, physicochemical variation, residue mobility, and thermodynamic stability) performed at Invitae indicates that this missense variant is not expected to disrupt BRCA2 protein function. This variant is not present in population databases (gnomAD no frequency). This sequence change replaces isoleucine, which is neutral and non-polar, with lysine, which is basic and polar, at codon 1485 of the BRCA2 protein (p.Ile1485Lys).